The following is an entry in ClinVar:

ClinVar aggregate classification (germline): Uncertain significance (1 of 4 stars; one submission).

Conditions:
CEP290-related disorder. Also called: CEP290-related condition; CEP290-related disorders. Identifiers: MedGen CN239314.

Submission:

PreventionGenetics, part of Exact Sciences
Classification: Uncertain significance for CEP290-related condition. Last evaluated: 2026-08-29. Review status: criteria provided, single submitter. Criteria: ACMG Guidelines, 2015. Collection method: clinical testing. Allele origin: germline.
Comment: The CEP290 c.7188T>A variant is predicted to result in the amino acid substitution p.Asp2396Glu. To our knowledge, this variant has not been reported in the literature or in a large population database (gnomAD), indicating this variant is rare. At this time, the clinical significance of this variant is uncertain due to the absence of conclusive functional and genetic evidence.

NM_025114.4(CEP290):c.7188T>A (p.Asp2396Glu)

Gene: CEP290 (centrosomal protein 290; minus strand). Cytogenetic location: 12q21.32.
Variant type: single nucleotide variant.
Coding change: c.7188T>A on transcript NM_025114.4 (MANE Select); coding-DNA position 7188, T replaced by A.
Protein change: p.Asp2396Glu; replaces aspartic acid 2396 with glutamic acid.
Molecular consequence: missense variant.
Genome position (GRCh38, 1-based): chr12:88,050,375, A>T on the plus strand (T>A on the coding strand, the complement: CEP290 is on the minus strand). VCF-style: chr12-88050375-A-T. GRCh37 (hg19) VCF-style: chr12-88444152-A-T.
Other names: short protein forms D2396E.
Identifiers: ClinVar variation 4983012 (VCV004983012.1).